The following is an entry in ClinVar:

ClinVar aggregate classification (germline): Benign/Likely benign. Review status: criteria provided, multiple submitters, no conflicts (2 of 4 stars). 2 submissions from 2 submitters: Benign (1); Likely benign (1). Last evaluated 2026-07-01.

Conditions:
Sessile serrated polyposis cancer syndrome (SSPCS). Identifiers: Orphanet 157798, MedGen C4310714, MONDO:0014919, OMIM 617108.

gnomAD v4.1: 12 of 1,535,748 alleles (0.00078%); highest among the groups gnomAD compares: African/African-American, 0.012%; no homozygotes.

Submissions (2):

Myriad Genetics, Inc.
Classification: Benign for Sessile serrated polyposis cancer syndrome. Last evaluated: 2026-07-01. Review status: criteria provided, single submitter. Criteria: Myriad Autosomal Dominant, Autosomal Recessive and X-Linked Classification Criteria (2023). Collection method: clinical testing. Allele origin: unknown.
Comment: This variant is considered benign. This variant is a silent/synonymous amino acid change and it is not expected to impact splicing.

Ambry Genetics
Classification: Likely benign. Last evaluated: 2025-03-06. Review status: criteria provided, single submitter. Criteria: Ambry Variant Classification Scheme 2023. Collection method: clinical testing. Allele origin: germline.

NM_017763.6(RNF43):c.984C>T (p.Pro328=)

Gene: RNF43 (ring finger protein 43; minus strand). Cytogenetic location: 17q22.
Variant type: single nucleotide variant.
Coding change: c.984C>T on transcript NM_017763.6 (MANE Select); coding-DNA position 984, C replaced by T.
Protein change: p.Pro328=; no amino-acid change (proline 328 retained).
Molecular consequence: synonymous variant.
Genome position (GRCh38, 1-based): chr17:58,358,792, G>A on the plus strand (C>T on the coding strand, the complement: RNF43 is on the minus strand). VCF-style: chr17-58358792-G-A. GRCh37 (hg19) VCF-style: chr17-56436153-G-A.
Other names: c.603C>T, p.Pro201= (NM_001305545.2); c.984C>T, p.Pro328= (NM_001305544.3).
Identifiers: ClinVar variation 3789966 (VCV003789966.2).